The following is an entry in ClinVar:

NM_001267550.2(TTN):c.104470C>T (p.His34824Tyr)

Genes: TTN (titin; minus strand), TTN-AS1 (TTN antisense RNA 1; plus strand). Cytogenetic location: 2q31.2.
Variant type: single nucleotide variant.
Coding change: c.104470C>T on transcript NM_001267550.2 (MANE Select); coding-DNA position 104470, C replaced by T.
Protein change: p.His34824Tyr; replaces histidine 34824 with tyrosine.
Molecular consequence: missense variant.
Genome position (GRCh38, 1-based): chr2:178,532,145, G>A on the plus strand (C>T on the coding strand, the complement: TTN is on the minus strand). VCF-style: chr2-178532145-G-A. GRCh37 (hg19) VCF-style: chr2-179396872-G-A.
Other names: c.99547C>T, p.His33183Tyr (NM_001256850.1); c.77275C>T, p.His25759Tyr (NM_003319.4); c.96766C>T, p.His32256Tyr (NM_133378.4); c.77650C>T, p.His25884Tyr (NM_133432.3); c.77851C>T, p.His25951Tyr (NM_133437.4); short protein forms H33183Y, H25884Y, H25759Y, H32256Y, H34824Y, H25951Y.
Identifiers: ClinVar variation 1502498 (VCV001502498.6), dbSNP rs1689413849, ClinGen allele CA349411644.
Genomic context (GRCh38, chr2:178,532,145, plus strand): 5'-ACAGGGAGCGCCGTCGTCTCAGTAGTCTAGACGCAGATGAGGATGATTCTCTTTGAGCAT[G>A]TTTTGAGATTTCGTATTCTTCCTCAATTTCTGTTATTTCTGTCACTTCTCTTTGTCGCCT-3'
Protein context (NP_001254479.2, residues 34814-34834): EIEEEYEISK[His34824Tyr]AQRESSSSAS

ClinVar aggregate classification (germline): Uncertain significance (1 of 4 stars; one submission).

Conditions:
Dilated cardiomyopathy 1G (CMD1G). Identifiers: Orphanet 154, MedGen C1858763, MONDO:0011400, OMIM 604145.
Autosomal recessive limb-girdle muscular dystrophy type 2J (LGMDR10). Also called: MUSCULAR DYSTROPHY, LIMB-GIRDLE, AUTOSOMAL RECESSIVE 10; Limb-girdle muscular dystrophy, type 2J. Identifiers: Orphanet 140922, MedGen C1837342, MONDO:0012127, OMIM 608807.

Allele frequency attached by ClinVar (database versions not stated): gnomAD 0.00001; gnomAD exomes 0.00001.
gnomAD v4.1: 7 of 1,613,782 alleles (0.00043%); highest among the groups gnomAD compares: African/African-American, 0.0013%; no homozygotes.

Submission:

Labcorp Genetics (formerly Invitae), Labcorp
Classification: Uncertain significance for Dilated cardiomyopathy 1G; Autosomal recessive limb-girdle muscular dystrophy type 2J. Last evaluated: 2021-06-23. Review status: criteria provided, single submitter. Criteria: Invitae Variant Classification Sherloc (09022015). Collection method: clinical testing. Allele origin: germline.
Comment: In summary, the available evidence is currently insufficient to determine the role of this variant in disease. Therefore, it has been classified as a Variant of Uncertain Significance. Experimental studies and prediction algorithms are not available or were not evaluated, and the functional significance of this variant is currently unknown. This variant is located in the M band of TTN (PMID: 25589632). Variants in this region may be relevant for neuromuscular disorders, but have not been definitively shown to cause cardiomyopathy (PMID: 23975875). This variant has not been reported in the literature in individuals with TTN-related conditions. This variant is not present in population databases (ExAC no frequency). This sequence change replaces histidine with tyrosine at codon 34824 of the TTN protein (p.His34824Tyr). There is a moderate physicochemical difference between histidine and tyrosine.

Literature cited by the submitters: PubMed 25589632; PubMed 23975875.